The following is an entry in ClinVar:

NM_021971.4(GMPPB):c.433G>A (p.Gly145Ser)

Gene: GMPPB (GDP-mannose pyrophosphorylase B; minus strand). Cytogenetic location: 3p21.31.
Variant type: single nucleotide variant.
Coding change: c.433G>A on transcript NM_021971.4 (MANE Select); coding-DNA position 433, G replaced by A.
Protein change: p.Gly145Ser; replaces glycine 145 with serine.
Molecular consequence: missense variant.
Genome position (GRCh38, 1-based): chr3:49,722,724, C>T on the plus strand (G>A on the coding strand, the complement: GMPPB is on the minus strand). VCF-style: chr3-49722724-C-T. GRCh37 (hg19) VCF-style: chr3-49760157-C-T.
Other names: c.433G>A, p.Gly145Ser (NM_013334.4); short protein forms G145S.
Identifiers: ClinVar variation 855168 (VCV000855168.6), dbSNP rs771732077, ClinGen allele CA2405551.

ClinVar aggregate classification (germline): Uncertain significance (1 of 4 stars; one submission).

Conditions:
Muscular dystrophy-dystroglycanopathy (congenital with brain and eye anomalies), type A14. Also called: Congenital muscular dystrophy-dystroglycanopathy with brain and eye anomalies, type A14; WALKER-WARBURG SYNDROME OR MUSCLE-EYE-BRAIN DISEASE, GMPPB-RELATED; Muscular dystrophy-dystroglycanopathy (congenital with brain and eye anomalies), type a, 14; Congenital Muscular Dystrophy-Dystroglycanopathy with Brain and Eye Anomalies Type A 14. Identifiers: Orphanet 588, MedGen C3809216, MONDO:0014140, OMIM 615350.
Muscular dystrophy-dystroglycanopathy (congenital with impaired intellectual development), type B, 14. Also called: Congenital muscular dystrophy-dystroglycanopathy with mental retardation, type B14; MUSCULAR DYSTROPHY, CONGENITAL, GMPPB-RELATED; Muscular dystrophy-dystroglycanopathy (congenital with intellectual disability), type B14. Identifiers: MedGen C3809221, MONDO:0014141, OMIM 615351.
Autosomal recessive limb-girdle muscular dystrophy type 2T. Also called: Limb-girdle muscular dystrophy-dystroglycanopathy, type C14; MUSCULAR DYSTROPHY-DYSTROGLYCANOPATHY, LIMB-GIRDLE, GMPPB-RELATED; MUSCULAR DYSTROPHY, LIMB-GIRDLE, TYPE 2T; Muscular dystrophy-dystroglycanopathy (limb-girdle), type c, 14. Identifiers: Orphanet 363623, MedGen C4518000, MONDO:0014142, OMIM 615352.

Allele frequency attached by ClinVar (database versions not stated): gnomAD exomes below 0.00001; TOPMed below 0.00001; ExAC 0.00001.
gnomAD v4.1: 1 of 1,613,366 alleles (0.000062%); highest among the groups gnomAD compares: Non-Finnish European, 0.000085%; no homozygotes.

Submission:

Labcorp Genetics (formerly Invitae), Labcorp
Classification: Uncertain significance for Autosomal recessive limb-girdle muscular dystrophy type 2T; Muscular dystrophy-dystroglycanopathy (congenital with brain and eye anomalies), type A14; Muscular dystrophy-dystroglycanopathy (congenital with impaired intellectual development), type B, 14. Last evaluated: 2021-01-01. Review status: criteria provided, single submitter. Criteria: Invitae Variant Classification Sherloc (09022015). Collection method: clinical testing. Allele origin: germline.
Comment: In summary, the available evidence is currently insufficient to determine the role of this variant in disease. Therefore, it has been classified as a Variant of Uncertain Significance. Algorithms developed to predict the effect of missense changes on protein structure and function (SIFT, PolyPhen-2, Align-GVGD) all suggest that this variant is likely to be disruptive, but these predictions have not been confirmed by published functional studies and their clinical significance is uncertain. This variant has not been reported in the literature in individuals with GMPPB-related conditions. This variant is present in population databases (rs771732077, ExAC 0.002%). This sequence change replaces glycine with serine at codon 145 of the GMPPB protein (p.Gly145Ser). The glycine residue is highly conserved and there is a small physicochemical difference between glycine and serine.